The following is an entry in ClinVar:

NM_017654.4(SAMD9):c.1337C>G (p.Ser446Cys)

Gene: SAMD9 (sterile alpha motif domain containing 9; minus strand). Cytogenetic location: 7q21.2.
Variant type: single nucleotide variant.
Coding change: c.1337C>G on transcript NM_017654.4 (MANE Select); coding-DNA position 1337, C replaced by G.
Protein change: p.Ser446Cys; replaces serine 446 with cysteine.
Molecular consequence: missense variant.
Genome position (GRCh38, 1-based): chr7:93,104,761, G>C on the plus strand (C>G on the coding strand, the complement: SAMD9 is on the minus strand). VCF-style: chr7-93104761-G-C. GRCh37 (hg19) VCF-style: chr7-92734074-G-C.
Other names: c.1337C>G, p.Ser446Cys (NM_001193307.2); c.1337C>G (NM_017654.3); short protein forms S446C.
Identifiers: ClinVar variation 1371713 (VCV001371713.8), dbSNP rs778205005, ClinGen allele CA161992797.
Genomic context (GRCh38, chr7:93,104,761, plus strand): 5'-GGAAAGTGAAGGTTTGCTACTCGGCTTTCTTTGTAAGCTTTGACCACTCCATTGATGTTA[G>C]ACTCAGGATCAAACTCCAATACAGCAAACCATTTAATTTCCTTCAGGAAATCTAAGTGTT-3'
Protein context (NP_060124.2, residues 436-456): WFAVLEFDPE[Ser446Cys]NINGVVKAYK

ClinVar aggregate classification (germline): Uncertain significance. Review status: criteria provided, multiple submitters, no conflicts (2 of 4 stars). 2 submissions from 2 submitters: Uncertain significance (2). Last evaluated 2025-12-31.

Conditions:
Inborn genetic diseases. Identifiers: MedGen C0950123, MeSH D030342.

Submissions (2):

Ambry Genetics
Classification: Uncertain significance for Inborn genetic diseases. Last evaluated: 2025-12-31. Review status: criteria provided, single submitter. Criteria: Ambry Variant Classification Scheme 2023. Collection method: clinical testing. Allele origin: germline.

Labcorp Genetics (formerly Invitae), Labcorp
Classification: Uncertain significance. Last evaluated: 2024-08-02. Review status: criteria provided, single submitter. Criteria: Invitae Variant Classification Sherloc (09022015). Collection method: clinical testing. Allele origin: germline.
Comment: This sequence change replaces serine, which is neutral and polar, with cysteine, which is neutral and slightly polar, at codon 446 of the SAMD9 protein (p.Ser446Cys). This variant is not present in population databases (gnomAD no frequency). This variant has not been reported in the literature in individuals affected with SAMD9-related conditions. ClinVar contains an entry for this variant (Variation ID: 1371713). Advanced modeling of protein sequence and biophysical properties (such as structural, functional, and spatial information, amino acid conservation, physicochemical variation, residue mobility, and thermodynamic stability) has been performed at Invitae for this missense variant, however the output from this modeling did not meet the statistical confidence thresholds required to predict the impact of this variant on SAMD9 protein function. In summary, the available evidence is currently insufficient to determine the role of this variant in disease. Therefore, it has been classified as a Variant of Uncertain Significance.